The following is an entry in ClinVar:

NM_001042492.3(NF1):c.7064G>C (p.Ser2355Thr)

Gene: NF1 (neurofibromin 1; plus strand). Cytogenetic location: 17q11.2.
Variant type: single nucleotide variant.
Coding change: c.7064G>C on transcript NM_001042492.3 (MANE Select); coding-DNA position 7064, G replaced by C.
Protein change: p.Ser2355Thr; replaces serine 2355 with threonine.
Molecular consequence: missense variant.
Genome position (GRCh38, 1-based): chr17:31,343,010, G>C. VCF-style: chr17-31343010-G-C. GRCh37 (hg19) VCF-style: chr17-29670028-G-C.
Other names: c.7001G>C, p.Ser2334Thr (NM_000267.4); short protein forms S2334T, S2355T.
Identifiers: ClinVar variation 4536189 (VCV004536189.1).

ClinVar aggregate classification (germline): Uncertain significance (1 of 4 stars; one submission).

Submission:

GeneDx
Classification: Uncertain significance. Last evaluated: 2025-06-06. Review status: criteria provided, single submitter. Criteria: GeneDx Variant Classification Process June 2021. Collection method: clinical testing. Allele origin: germline. Affected: yes.
Comment: Not observed at significant frequency in large population cohorts (gnomAD); In silico analysis suggests that this missense variant does not alter protein structure/function; Has not been previously published as pathogenic or benign to our knowledge; This variant is associated with the following publications: (PMID: 25486365)